The following is an entry in ClinVar:

NM_003797.5(EED):c.50C>T (p.Ala17Val)

Gene: EED (embryonic ectoderm development; plus strand). Cytogenetic location: 11q14.2.
Variant type: single nucleotide variant.
Coding change: c.50C>T on transcript NM_003797.5 (MANE Select); coding-DNA position 50, C replaced by T.
Protein change: p.Ala17Val; replaces alanine 17 with valine.
Molecular consequence: missense variant.
Genome position (GRCh38, 1-based): chr11:86,245,279, C>T. VCF-style: chr11-86245279-C-T. GRCh37 (hg19) VCF-style: chr11-85956321-C-T.
Other names: c.50C>T, p.Ala17Val (NM_001308007.2, NM_001330334.2); short protein forms A17V.
Identifiers: ClinVar variation 979180 (VCV000979180.25), dbSNP rs1945363239, ClinGen allele CA382061105.

ClinVar aggregate classification (germline): Uncertain significance. Review status: criteria provided, multiple submitters, no conflicts (2 of 4 stars). 2 submissions from 2 submitters: Uncertain significance (2). Last evaluated 2023-02-01.

Conditions:
Cohen-Gibson syndrome (COGIS). Also called: EED-Related Overgrowth. Identifiers: Orphanet 659396, MedGen C4479654, MONDO:0060510, OMIM 617561.

gnomAD v4.1: 2 of 1,613,378 alleles (0.00012%); highest among the groups gnomAD compares: Non-Finnish European, 0.00017%; no homozygotes.

Submissions (2):

CeGaT Center for Human Genetics Tuebingen
Classification: Uncertain significance. Last evaluated: 2023-02-01. Review status: criteria provided, single submitter. Criteria: CeGaT Center For Human Genetics Tuebingen Variant Classification Criteria Version 2. Collection method: clinical testing. Allele origin: germline. Affected: yes. Observed: 1 variant allele.
Comment: EED: PM2

MVZ Martinsried, Medicover Genetics
Classification: Uncertain significance for Cohen-Gibson syndrome. Last evaluated: 2020-07-03. Review status: criteria provided, single submitter. Criteria: ACGS Guidelines, 2020. Collection method: clinical testing. Allele origin: unknown. Affected: yes.